The following is an entry in ClinVar:

NM_000059.4(BRCA2):c.2571_2572del (p.Arg858fs)

Gene: BRCA2 (BRCA2 DNA repair associated; plus strand). Cytogenetic location: 13q13.1.
Variant type: Deletion.
Coding change: c.2571_2572del on transcript NM_000059.4 (MANE Select); coding-DNA positions 2571 to 2572, 2 bases deleted (AA; older notation c.2571_2572delAA).
Protein change: p.Arg858fs; shifts the reading frame from arginine 858.
Molecular consequence: frameshift variant. On other transcripts: non-coding transcript variant (1), intron variant (2).
Genome position (GRCh38, 1-based): chr13:32,336,926-32,336,927, AA deleted. VCF-style (leftmost placement, unchanged base first): chr13-32336925-TAA-T. GRCh37 (hg19) VCF-style: chr13-32911062-TAA-T.
Other names: c.2571_2572del, p.Arg858fs (NM_001406719.1, NM_001406720.1, NM_001432077.1); c.1909+3539_1909+3540del (NM_001406721.1); c.424+5896_424+5897del (NM_001406722.1); short protein forms R858fs.
Identifiers: ClinVar variation 4824533 (VCV004824533.1).

ClinVar aggregate classification (germline): Pathogenic (1 of 4 stars; one submission).

Conditions:
Hereditary cancer-predisposing syndrome. Also called: Neoplastic Syndromes, Hereditary; Hereditary neoplastic syndrome; Tumor predisposition; Hereditary Cancer Syndrome. Identifiers: Orphanet 140162, MedGen C0027672, MeSH D009386, MONDO:0015356.

Submission:

Ambry Genetics
Classification: Pathogenic for Hereditary cancer-predisposing syndrome. Last evaluated: 2026-02-10. Review status: criteria provided, single submitter. Criteria: Ambry Variant Classification Scheme 2023. Collection method: clinical testing. Allele origin: germline.
Comment: The c.2571_2572delAA pathogenic mutation, located in coding exon 10 of the BRCA2 gene, results from a deletion of two nucleotides at nucleotide positions 2571 to 2572, causing a translational frameshift with a predicted alternate stop codon (p.R858Sfs*22). This variant is considered to be rare based on population cohorts in the Genome Aggregation Database (gnomAD). This alteration is expected to result in loss of function by premature protein truncation or nonsense-mediated mRNA decay. As such, this alteration is interpreted as a disease-causing mutation.